The following is an entry in ClinVar:

ClinVar aggregate classification (germline): Likely pathogenic (1 of 4 stars; one submission).

Conditions:
Marfan syndrome (MFS). Also called: FBN1-Related Marfan Syndrome; MARFAN SYNDROME, TYPE I; Marfan syndrome type 1; Marfan's syndrome; Marfan syndrome, classic. Identifiers: Orphanet 284963, Orphanet 558, MedGen C0024796, MONDO:0007947, OMIM 154700.
Familial thoracic aortic aneurysm and aortic dissection (TAAD). Also called: Thoracic aortic aneurysms and dissections. Identifiers: Orphanet 91387, MedGen C4707243, MONDO:0019625.

Submission:

Labcorp Genetics (formerly Invitae), Labcorp
Classification: Likely pathogenic for Marfan syndrome; Familial thoracic aortic aneurysm and aortic dissection. Last evaluated: 2020-03-31. Review status: criteria provided, single submitter. Criteria: Invitae Variant Classification Sherloc (09022015). Collection method: clinical testing. Allele origin: germline.
Comment: This variant affects a cysteine residue in the EGF-like, TGFBP or hybrid motif domains of FBN1. Cysteine residues are believed to be involved in intramolecular disulfide bridges and have been shown to be important for FBN1 protein structure (PMID: 16905551, 19349279). In addition, missense substitutions affecting cysteine residues within these domains are significantly overrepresented among patients with Marfan syndrome (PMID: 16571647, 17701892). In summary, the currently available evidence indicates that the variant is pathogenic, but additional data are needed to prove that conclusively. Therefore, this variant has been classified as Likely Pathogenic. This variant disrupts the p.Cys1942 amino acid residue in FBN1. Other variant(s) that disrupt this residue have been observed in individuals with FBN1-related conditions (Invitae), which suggests that this may be a clinically significant amino acid residue. Algorithms developed to predict the effect of missense changes on protein structure and function are either unavailable or do not agree on the potential impact of this missense change (SIFT: "Deleterious"; PolyPhen-2: "Benign"; Align-GVGD: "Class C0"). This variant has been observed in individual(s) with clinical features of Marfan syndrome (Invitae). This variant is not present in population databases (ExAC no frequency). This sequence change replaces cysteine with serine at codon 1942 of the FBN1 protein (p.Cys1942Ser). The cysteine residue is highly conserved and there is a moderate physicochemical difference between cysteine and serine.

Literature cited by the submitters: PubMed 16905551; PubMed 19349279; PubMed 16571647; PubMed 17701892.

NM_000138.5(FBN1):c.5824T>A (p.Cys1942Ser)

Gene: FBN1 (fibrillin 1; minus strand). Cytogenetic location: 15q21.1.
Variant type: single nucleotide variant.
Coding change: c.5824T>A on transcript NM_000138.5 (MANE Select); coding-DNA position 5824, T replaced by A.
Protein change: p.Cys1942Ser; replaces cysteine 1942 with serine.
Molecular consequence: missense variant.
Genome position (GRCh38, 1-based): chr15:48,445,469, A>T on the plus strand (T>A on the coding strand, the complement: FBN1 is on the minus strand). VCF-style: chr15-48445469-A-T. GRCh37 (hg19) VCF-style: chr15-48737666-A-T.
Other names: short protein forms C1942S.
Identifiers: ClinVar variation 1067779 (VCV001067779.9), dbSNP rs1555395762, ClinGen allele CA392340127.